The following is an entry in ClinVar:

NM_000400.4(ERCC2):c.496C>T (p.Arg166Cys)

Gene: ERCC2 (ERCC excision repair 2, TFIIH core complex helicase subunit; minus strand). Cytogenetic location: 19q13.32.
Variant type: single nucleotide variant.
Coding change: c.496C>T on transcript NM_000400.4 (MANE Select); coding-DNA position 496, C replaced by T.
Protein change: p.Arg166Cys; replaces arginine 166 with cysteine.
Molecular consequence: missense variant. On other transcripts: non-coding transcript variant (3).
Genome position (GRCh38, 1-based): chr19:45,364,936, G>A on the plus strand (C>T on the coding strand, the complement: ERCC2 is on the minus strand). VCF-style: chr19-45364936-G-A. GRCh37 (hg19) VCF-style: chr19-45868194-G-A.
Other names: c.424C>T, p.Arg142Cys (NM_001130867.2, NM_001440355.1); c.418C>T, p.Arg140Cys (NM_001440356.1); c.373C>T, p.Arg125Cys (NM_001440357.1); short protein forms R125C, R140C, R142C, R166C.
Identifiers: ClinVar variation 4848454 (VCV004848454.1).

ClinVar aggregate classification (germline): Uncertain significance (1 of 4 stars; one submission).

Submission:

Women's Health and Genetics/Laboratory Corporation of America, LabCorp
Classification: Uncertain significance. Last evaluated: 2026-04-17. Review status: criteria provided, single submitter. Criteria: LabCorp Variant Classification Summary - May 2015. Collection method: clinical testing. Allele origin: germline.
Comment: Variant summary: ERCC2 c.496C>T (p.Arg166Cys) results in a non-conservative amino acid change in the encoded protein sequence. Algorithms developed to predict the effect of missense changes on protein structure and function all suggest that this variant is likely to be disruptive. The variant allele was found at a frequency of 8e-06 in 250728 control chromosomes. The available data on variant occurrences in the general population are insufficient to allow any conclusion about variant significance. To our knowledge, no occurrence of c.496C>T in individuals affected with ERCC2-related conditions and no experimental evidence demonstrating its impact on protein function have been reported. No submitters have cited clinical-significance assessments for this variant to ClinVar. Based on the evidence outlined above, the variant was classified as uncertain significance.